The following is an entry in ClinVar:

ClinVar aggregate classification (germline): Uncertain significance (1 of 4 stars; one submission).

Conditions:
Charcot-Marie-Tooth disease, type I (CMT1). Also called: Charcot-Marie-Tooth disease type 1; Charcot-Marie-Tooth, Type 1. Identifiers: Orphanet 65753, MedGen C0751036, MONDO:0019011.

Submission:

Labcorp Genetics (formerly Invitae), Labcorp
Classification: Uncertain significance for Charcot-Marie-Tooth disease, type I. Last evaluated: 2023-12-28. Review status: criteria provided, single submitter. Criteria: Invitae Variant Classification Sherloc (09022015). Collection method: clinical testing. Allele origin: germline.
Comment: This sequence change replaces alanine, which is neutral and non-polar, with threonine, which is neutral and polar, at codon 305 of the EGR2 protein (p.Ala305Thr). This variant is not present in population databases (gnomAD no frequency). This variant has not been reported in the literature in individuals affected with EGR2-related conditions. Advanced modeling of protein sequence and biophysical properties (such as structural, functional, and spatial information, amino acid conservation, physicochemical variation, residue mobility, and thermodynamic stability) performed at Invitae indicates that this missense variant is not expected to disrupt EGR2 protein function with a negative predictive value of 80%. In summary, the available evidence is currently insufficient to determine the role of this variant in disease. Therefore, it has been classified as a Variant of Uncertain Significance.

NM_000399.5(EGR2):c.913G>A (p.Ala305Thr)

Gene: EGR2 (early growth response 2; minus strand). Cytogenetic location: 10q21.3.
Variant type: single nucleotide variant.
Coding change: c.913G>A on transcript NM_000399.5 (MANE Select); coding-DNA position 913, G replaced by A.
Protein change: p.Ala305Thr; replaces alanine 305 with threonine.
Molecular consequence: missense variant.
Genome position (GRCh38, 1-based): chr10:62,813,725, C>T on the plus strand (G>A on the coding strand, the complement: EGR2 is on the minus strand). VCF-style: chr10-62813725-C-T. GRCh37 (hg19) VCF-style: chr10-64573485-C-T.
Other names: c.913G>A, p.Ala305Thr (NM_001136177.3, NM_001136178.2); c.763G>A, p.Ala255Thr (NM_001136179.3, NM_001321037.2); c.952G>A, p.Ala318Thr (NM_001410931.1); short protein forms A255T, A305T, A318T.
Identifiers: ClinVar variation 3000377 (VCV003000377.3), dbSNP rs2492296265, ClinGen allele CA377028472.